The following is an entry in ClinVar:

NM_001134363.3(RBM20):c.1171G>A (p.Val391Met)

Gene: RBM20 (RNA binding motif protein 20; plus strand). Cytogenetic location: 10q25.2.
Variant type: single nucleotide variant.
Coding change: c.1171G>A on transcript NM_001134363.3 (MANE Select); coding-DNA position 1171, G replaced by A.
Protein change: p.Val391Met; replaces valine 391 with methionine.
Molecular consequence: missense variant.
Genome position (GRCh38, 1-based): chr10:110,781,780, G>A. VCF-style: chr10-110781780-G-A. GRCh37 (hg19) VCF-style: chr10-112541538-G-A.
Other names: c.1171G>A (NM_001134363.1); short protein forms V391M.
Identifiers: ClinVar variation 701503 (VCV000701503.42), dbSNP rs763101142, ClinGen allele CA5688563.

ClinVar aggregate classification (germline): Likely benign. Review status: criteria provided, multiple submitters, no conflicts (2 of 4 stars). 6 submissions from 6 submitters: Likely benign (3). 3 of the submissions do not count toward it. Last evaluated 2025-10-23.

Conditions:
RBM20-related disorder. Also called: RBM20-related condition.
Cardiovascular phenotype. Identifiers: MedGen CN230736.
Dilated cardiomyopathy 1DD (CMD1DD). Identifiers: Orphanet 154, MedGen C2750995, MONDO:0013168, OMIM 613172.

Allele frequency attached by ClinVar (database versions not stated): gnomAD exomes 0.00015 and 0.00006; ExAC 0.00027; TOPMed 0.00002; gnomAD 0.00003 and 0.00006.
gnomAD v4.1: 107 of 1,551,828 alleles (0.0069%); highest among the groups gnomAD compares: Middle Eastern, 0.15%; 1 homozygote.

Submissions (6):

Labcorp Genetics (formerly Invitae), Labcorp
Classification: Likely benign for Dilated cardiomyopathy 1DD. Last evaluated: 2025-10-23. Review status: criteria provided, single submitter. Criteria: Invitae Variant Classification Sherloc (09022015). Collection method: clinical testing. Allele origin: germline.

CeGaT Center for Human Genetics Tuebingen
Classification: Likely benign. Last evaluated: 2024-03-01. Review status: criteria provided, single submitter. Criteria: CeGaT Center For Human Genetics Tuebingen Variant Classification Criteria Version 2. Collection method: clinical testing. Allele origin: germline. Affected: yes. Observed: 2 variant alleles.
Comment: RBM20: BP4

Ambry Genetics
Classification: Likely benign for Cardiovascular phenotype. Last evaluated: 2023-05-18. Review status: criteria provided, single submitter. Criteria: Ambry Variant Classification Scheme 2023. Collection method: clinical testing. Allele origin: germline.

PreventionGenetics, part of Exact Sciences
Classification: Likely benign for RBM20-related condition. Last evaluated: 2024-06-25. Review status: no assertion criteria provided. Collection method: clinical testing. Allele origin: germline. Not counted in ClinVar's aggregate classification.
Comment: This variant is classified as likely benign based on ACMG/AMP sequence variant interpretation guidelines (Richards et al. 2015 PMID: 25741868, with internal and published modifications).

Clinical Genetics DNA and cytogenetics Diagnostics Lab, Erasmus MC, Erasmus Medical Center
Classification: Likely benign. Review status: no assertion criteria provided. Collection method: clinical testing. Allele origin: germline. Affected: yes. Study: VKGL Data-share Consensus. Not counted in ClinVar's aggregate classification.

Diagnostic Laboratory, Department of Genetics, University Medical Center Groningen
Classification: Likely benign. Review status: no assertion criteria provided. Collection method: clinical testing. Allele origin: germline. Affected: yes. Study: VKGL Data-share Consensus. Not counted in ClinVar's aggregate classification.

Literature cited by the submitters: PubMed 33552729 (cited by Ambry Genetics).